The following is an entry in ClinVar:

NM_014264.5(PLK4):c.138A>C (p.Lys46Asn)

Gene: PLK4 (polo like kinase 4; plus strand). Cytogenetic location: 4q28.1.
Variant type: single nucleotide variant.
Coding change: c.138A>C on transcript NM_014264.5 (MANE Select); coding-DNA position 138, A replaced by C.
Protein change: p.Lys46Asn; replaces lysine 46 with asparagine.
Molecular consequence: missense variant. On other transcripts: intron variant (1).
Genome position (GRCh38, 1-based): chr4:127,883,273, A>C. VCF-style: chr4-127883273-A-C. GRCh37 (hg19) VCF-style: chr4-128804428-A-C.
Other names: c.127-166A>C (NM_001190799.2); c.15A>C, p.Lys5Asn (NM_001190801.2); c.138A>C (NM_014264.4); short protein forms K5N, K46N.
Identifiers: ClinVar variation 2164187 (VCV002164187.5), dbSNP rs769805999, ClinGen allele CA3076509.
Genomic context (GRCh38, chr4:127,883,273, plus strand): 5'-AGCAGTTTATATTTGAAAGTCTGTCAACATTTAAACCTGTTATTTTTAGATAGATAAGAA[A>C]GCCATGTACAAAGCAGGAATGGTACAGAGAGTCCAAAATGAGGTGAAAATACATTGCCAA-3'
Protein context (NP_055079.3, residues 36-56): LEVAIKMIDK[Lys46Asn]AMYKAGMVQR

ClinVar aggregate classification (germline): Uncertain significance. Review status: criteria provided, multiple submitters, no conflicts (2 of 4 stars). 2 submissions from 2 submitters: Uncertain significance (2). Last evaluated 2022-09-07.

Conditions:
Inborn genetic diseases. Identifiers: MedGen C0950123, MeSH D030342.

Allele frequency attached by ClinVar (database versions not stated): gnomAD exomes below 0.00001; ExAC 0.00001; gnomAD 0.00001.
gnomAD v4.1: 7 of 1,549,892 alleles (0.00045%); highest among the groups gnomAD compares: Admixed American, 0.0018%; 1 homozygote.

Submissions (2):

Labcorp Genetics (formerly Invitae), Labcorp
Classification: Uncertain significance. Last evaluated: 2022-09-07. Review status: criteria provided, single submitter. Criteria: Invitae Variant Classification Sherloc (09022015). Collection method: clinical testing. Allele origin: germline.
Comment: This variant is present in population databases (rs769805999, gnomAD 0.01%). This sequence change replaces lysine, which is basic and polar, with asparagine, which is neutral and polar, at codon 46 of the PLK4 protein (p.Lys46Asn). This variant has not been reported in the literature in individuals affected with PLK4-related conditions. In summary, the available evidence is currently insufficient to determine the role of this variant in disease. Therefore, it has been classified as a Variant of Uncertain Significance. Algorithms developed to predict the effect of missense changes on protein structure and function (SIFT, PolyPhen-2, Align-GVGD) all suggest that this variant is likely to be disruptive.

Ambry Genetics
Classification: Uncertain significance for Inborn genetic diseases. Last evaluated: 2022-07-19. Review status: criteria provided, single submitter. Criteria: Ambry Variant Classification Scheme 2023. Collection method: clinical testing. Allele origin: germline.